The following is an entry in ClinVar:

NM_000301.5(PLG):c.1755T>A (p.Cys585Ter)

Gene: PLG (plasminogen; plus strand). Cytogenetic location: 6q26.
Variant type: single nucleotide variant.
Coding change: c.1755T>A on transcript NM_000301.5 (MANE Select); coding-DNA position 1755, T replaced by A.
Protein change: p.Cys585Ter; replaces cysteine 585 with a stop codon.
Molecular consequence: nonsense.
Genome position (GRCh38, 1-based): chr6:160,736,960, T>A. VCF-style: chr6-160736960-T-A. GRCh37 (hg19) VCF-style: chr6-161157992-T-A.
Other names: short protein forms C585*.
Identifiers: ClinVar variation 3658824 (VCV003658824.2).

ClinVar aggregate classification (germline): Pathogenic (1 of 4 stars; one submission).

Submission:

Labcorp Genetics (formerly Invitae), Labcorp
Classification: Pathogenic. Last evaluated: 2024-07-05. Review status: criteria provided, single submitter. Criteria: Invitae Variant Classification Sherloc (09022015). Collection method: clinical testing. Allele origin: germline.
Comment: This sequence change creates a premature translational stop signal (p.Cys585*) in the PLG gene. It is expected to result in an absent or disrupted protein product. Loss-of-function variants in PLG are known to be pathogenic (PMID: 16849641). This variant is not present in population databases (gnomAD no frequency). This variant has not been reported in the literature in individuals affected with PLG-related conditions. For these reasons, this variant has been classified as Pathogenic.

Literature cited by the submitters: PubMed 16849641.